The following is an entry in ClinVar:

ClinVar aggregate classification (germline): Benign/Likely benign. Review status: criteria provided, single submitter (1 of 4 stars). 2 submissions from 1 submitter: Benign (1); Likely benign (1). Last evaluated 2018-01-13.

Conditions:
Congenital stationary night blindness autosomal dominant 1. Also called: NIGHT BLINDNESS, CONGENITAL STATIONARY, RHODOPSIN-RELATED. Identifiers: Orphanet 215, MedGen C1864869, MONDO:0012498, OMIM 610445.
Retinitis pigmentosa (RP). Identifiers: Orphanet 791, MedGen C0035334, MeSH D012174, MONDO:0019200, OMIM 268000. Inheritance: Autosomal dominant, autosomal recessive and X linked inheritance.

Allele frequency attached by ClinVar (database versions not stated): 1000 Genomes Project 0.00120; gnomAD exomes 0.00131; TOPMed 0.00132; 1000 Genomes Project 30x 0.00141; gnomAD 0.00161 and 0.00169.

Submissions (2):

Illumina Laboratory Services, Illumina
Classification: Likely benign for Retinitis pigmentosa. Last evaluated: 2018-01-13. Review status: criteria provided, single submitter. Criteria: ICSL Variant Classification Criteria 13 December 2019. Collection method: clinical testing. Allele origin: germline.
Comment: This variant was observed in the ICSL laboratory as part of a predisposition screen in an ostensibly healthy population. It had not been previously curated by ICSL or reported in the Human Gene Mutation Database (HGMD: prior to June 1st, 2018), and was therefore a candidate for classification through an automated scoring system. Utilizing variant allele frequency, disease prevalence and penetrance estimates, and inheritance mode, an automated score was calculated to assess if this variant is too frequent to cause the disease. Based on the score and internal cut-off values, a variant classified as likely benign is not then subjected to further curation. The score for this variant resulted in a classification of likely benign for this disease.

Illumina Laboratory Services, Illumina
Classification: Benign for Congenital stationary night blindness autosomal dominant 1. Last evaluated: 2018-01-13. Review status: criteria provided, single submitter. Criteria: ICSL Variant Classification Criteria 13 December 2019. Collection method: clinical testing. Allele origin: germline.
Comment: This variant was observed in the ICSL laboratory as part of a predisposition screen in an ostensibly healthy population. It had not been previously curated by ICSL or reported in the Human Gene Mutation Database (HGMD: prior to June 1st, 2018), and was therefore a candidate for classification through an automated scoring system. Utilizing variant allele frequency, disease prevalence and penetrance estimates, and inheritance mode, an automated score was calculated to assess if this variant is too frequent to cause the disease. Based on the score and internal cut-off values, a variant classified as benign is not then subjected to further curation. The score for this variant resulted in a classification of benign for this disease.

NM_000539.3(RHO):c.*467A>G

Gene: RHO (rhodopsin; plus strand). Cytogenetic location: 3q22.1.
Variant type: single nucleotide variant.
Coding change: c.*467A>G on transcript NM_000539.3 (MANE Select); 467 bases downstream of the stop codon, A replaced by G.
Molecular consequence: 3 prime UTR variant.
Genome position (GRCh38, 1-based): chr3:129,534,185, A>G. VCF-style: chr3-129534185-A-G. GRCh37 (hg19) VCF-style: chr3-129253028-A-G.
Identifiers: ClinVar variation 343294 (VCV000343294.5), dbSNP rs148165044, ClinGen allele CA10617336.
Genomic context (GRCh38, chr3:129,534,185, plus strand): 5'-GGAAGGGAGAACATATCTATCCTCTCAGACCCTCGCAGCAGCAGCAACTCATACTTGGCT[A>G]ATGATATGGAGCAGTTGTTTTTCCCTCCCTGGGCCTCACTTTCTTCTCCTATAAAATGGA-3'